The following is an entry in ClinVar:

NM_145207.3(AFG2A):c.1883A>G (p.Asp628Gly)

Gene: AFG2A (AAA ATPase AFG2A; plus strand). Cytogenetic location: 4q28.1.
Variant type: single nucleotide variant.
Coding change: c.1883A>G on transcript NM_145207.3 (MANE Select); coding-DNA position 1883, A replaced by G.
Protein change: p.Asp628Gly; replaces aspartic acid 628 with glycine.
Molecular consequence: missense variant.
Genome position (GRCh38, 1-based): chr4:123,028,199, A>G. VCF-style: chr4-123028199-A-G. GRCh37 (hg19) VCF-style: chr4-123949354-A-G.
Other names: c.1880A>G, p.Asp627Gly (NM_001317799.2, NM_001345856.2); short protein forms D628G, D627G.
Identifiers: ClinVar variation 203524 (VCV000203524.18), dbSNP rs768528444, ClinGen allele CA312151.

ClinVar aggregate classification (germline): Pathogenic/Likely pathogenic. Review status: criteria provided, multiple submitters, no conflicts (2 of 4 stars). 9 submissions from 8 submitters: Pathogenic (2); Likely pathogenic (2). 5 of the submissions do not count toward it. Last evaluated 2025-08-18.

Conditions:
Microcephaly-intellectual disability-sensorineural hearing loss-epilepsy-abnormal muscle tone syndrome (NEDHSB). Also called: NEURODEVELOPMENTAL DISORDER WITH HEARING LOSS, SEIZURES, AND BRAIN ABNORMALITIES. Identifiers: Orphanet 457351, MedGen C4225276, MONDO:0014698, OMIM 616577.

Allele frequency attached by ClinVar (database versions not stated): TOPMed 0.00001; ExAC 0.00003.
gnomAD v4.1: 110 of 1,613,950 alleles (0.0068%); highest among the groups gnomAD compares: Non-Finnish European, 0.0093%; no homozygotes.

Submissions (9):

Labcorp Genetics (formerly Invitae), Labcorp
Classification: Pathogenic for Microcephaly-intellectual disability-sensorineural hearing loss-epilepsy-abnormal muscle tone syndrome. Last evaluated: 2025-08-18. Review status: criteria provided, single submitter. Criteria: Invitae Variant Classification Sherloc (09022015). Collection method: clinical testing. Allele origin: germline.
Comment: This sequence change replaces aspartic acid, which is acidic and polar, with glycine, which is neutral and non-polar, at codon 628 of the SPATA5 protein (p.Asp628Gly). This variant is present in population databases (rs768528444, gnomAD 0.007%). This missense change has been observed in individual(s) with SPATA5-related conditions (PMID: 26299366; internal data). In at least one individual the data is consistent with being in trans (on the opposite chromosome) from a pathogenic variant. It has also been observed to segregate with disease in related individuals. ClinVar contains an entry for this variant (Variation ID: 203524). Invitae Evidence Modeling of protein sequence and biophysical properties (such as structural, functional, and spatial information, amino acid conservation, physicochemical variation, residue mobility, and thermodynamic stability) indicates that this missense variant is expected to disrupt SPATA5 protein function with a positive predictive value of 95%. For these reasons, this variant has been classified as Pathogenic.

Women's Health and Genetics/Laboratory Corporation of America, LabCorp
Classification: Likely pathogenic for Microcephaly-intellectual disability-sensorineural hearing loss-epilepsy-abnormal muscle tone syndrome. Last evaluated: 2024-09-24. Review status: criteria provided, single submitter. Criteria: LabCorp Variant Classification Summary - May 2015. Collection method: clinical testing. Allele origin: germline.
Comment: Variant summary: AFG2A c.1883A>G (p.Asp628Gly) results in a non-conservative amino acid change in the encoded protein sequence. Five of five in-silico tools predict a damaging effect of the variant on protein function. The variant allele was found at a frequency of 3.6e-05 in 251348 control chromosomes. c.1883A>G has been reported in the literature in the compound heterozygous state in individuals affected with and/or with some clinical features of Epilepsy, Hearing Loss, And Mental Retardation Syndrome who underwent whole exome sequencing, including cases where it has been confirmed to be in trans with a pathogenic variant and has segregated with disease in at least one family (e.g. Tanaka_2015, Moreno-De-Luca_2021, Koh_2023). These data indicate that the variant is likely to be associated with disease. To our knowledge, no experimental evidence demonstrating an impact on protein function has been reported. The following publications have been ascertained in the context of this evaluation (PMID: 37471090, 33528536, 26299366). ClinVar contains an entry for this variant (Variation ID: 203524). Based on the evidence outlined above, the variant was classified as likely pathogenic.

GeneDx
Classification: Pathogenic. Last evaluated: 2022-08-10. Review status: criteria provided, single submitter. Criteria: GeneDx Variant Classification Process June 2021. Collection method: clinical testing. Allele origin: germline. Affected: yes.
Comment: Not observed at significant frequency in large population cohorts (gnomAD); In silico analysis supports that this missense variant has a deleterious effect on protein structure/function; This variant is associated with the following publications: (PMID: 26299366, 29343804, 27535533, 35354024)

Fulgent Genetics
Classification: Likely pathogenic for Microcephaly-intellectual disability-sensorineural hearing loss-epilepsy-abnormal muscle tone syndrome. Last evaluated: 2022-02-22. Review status: criteria provided, single submitter. Criteria: ACMG Guidelines, 2015. Collection method: clinical testing. Allele origin: unknown.

Clinical Genetics Laboratory, University Hospital Schleswig-Holstein
Classification: Likely pathogenic for Microcephaly-intellectual disability-sensorineural hearing loss-epilepsy-abnormal muscle tone syndrome. Last evaluated: 2021-05-06. Review status: no assertion criteria provided. Collection method: clinical testing. Allele origin: germline. Affected: yes. Not counted in ClinVar's aggregate classification.

Genome Diagnostics Laboratory, University Medical Center Utrecht
Classification: Likely pathogenic. Last evaluated: 2015-08-03. Review status: no assertion criteria provided. Collection method: clinical testing. Allele origin: germline. Affected: yes. Not counted in ClinVar's aggregate classification.
Comment: The p.D628G variant in the SPATA5 gene has not been reported previously as a disease-causing mutation nor as a benign polymorphism, to our knowledge. This variant concerns an evolutionary strongly conserved amino acid. Predictions suggest a pathogenic effect. It was found in the compound heterozygous state together with the p.Y559* mutation. The p.D628G variant was observed at an allele frequency of 0.00006 in approximately 33.000 individuals of European ancestry (ExAC database), indicating it is not a common benign variant in these populations. We interpret p.D628G as a likely pathogenic variant.

Clinical Genetics DNA and cytogenetics Diagnostics Lab, Erasmus MC, Erasmus Medical Center
Classification: Likely pathogenic. Review status: no assertion criteria provided. Collection method: clinical testing. Allele origin: germline. Affected: yes. Study: VKGL Data-share Consensus. Not counted in ClinVar's aggregate classification.

Genome Diagnostics Laboratory, University Medical Center Utrecht
Classification: Likely pathogenic. Review status: no assertion criteria provided. Collection method: clinical testing. Allele origin: germline. Affected: yes. Study: VKGL Data-share Consensus. Not counted in ClinVar's aggregate classification.

Joint Genome Diagnostic Labs from Nijmegen and Maastricht, Radboudumc and MUMC+
Classification: Likely pathogenic. Review status: no assertion criteria provided. Collection method: clinical testing. Allele origin: germline. Affected: yes. Study: VKGL Data-share Consensus. Not counted in ClinVar's aggregate classification.

Literature cited by the submitters: PubMed 26299366 (cited by Labcorp Genetics (formerly Invitae), Labcorp and Women's Health and Genetics/Laboratory Corporation of America, LabCorp); PubMed 33528536 (cited by Women's Health and Genetics/Laboratory Corporation of America, LabCorp); PubMed 37471090 (cited by Women's Health and Genetics/Laboratory Corporation of America, LabCorp).